The following is an entry in ClinVar:

NM_145059.3(FCSK):c.2521+3G>A

Gene: FCSK (fucose kinase; plus strand). Cytogenetic location: 16q22.1.
Variant type: single nucleotide variant.
Coding change: c.2521+3G>A on transcript NM_145059.3 (MANE Select); 3 bases into the intron after coding-DNA position 2521, G replaced by A.
Molecular consequence: intron variant.
Genome position (GRCh38, 1-based): chr16:70,475,496, G>A. VCF-style: chr16-70475496-G-A. GRCh37 (hg19) VCF-style: chr16-70509399-G-A.
Identifiers: ClinVar variation 1682393 (VCV001682393.6), dbSNP rs2151728166, ClinGen allele CA2573152636.

ClinVar aggregate classification (germline): Uncertain significance (1 of 4 stars; one submission).

Submission:

Labcorp Genetics (formerly Invitae), Labcorp
Classification: Uncertain significance. Last evaluated: 2023-10-03. Review status: criteria provided, single submitter. Criteria: Invitae Variant Classification Sherloc (09022015). Collection method: clinical testing. Allele origin: germline.
Comment: This sequence change falls in intron 19 of the FUK gene. It does not directly change the encoded amino acid sequence of the FUK protein. It affects a nucleotide within the consensus splice site. This variant is not present in population databases (gnomAD no frequency). This variant has not been reported in the literature in individuals affected with FUK-related conditions. ClinVar contains an entry for this variant (Variation ID: 1682393). Variants that disrupt the consensus splice site are a relatively common cause of aberrant splicing (PMID: 17576681, 9536098). Algorithms developed to predict the effect of sequence changes on RNA splicing suggest that this variant may disrupt the consensus splice site. In summary, the available evidence is currently insufficient to determine the role of this variant in disease. Therefore, it has been classified as a Variant of Uncertain Significance.

Literature cited by the submitters: PubMed 17576681; PubMed 9536098.